The following is an entry in ClinVar:

NM_001369268.1(ACAN):c.3G>A (p.Met1Ile)

Gene: ACAN (aggrecan; plus strand). Cytogenetic location: 15q26.1.
Variant type: single nucleotide variant.
Coding change: c.3G>A on transcript NM_001369268.1 (MANE Select); coding-DNA position 3, G replaced by A.
Protein change: p.Met1Ile; changes the start codon (methionine 1).
Molecular consequence: missense variant, initiator codon variant.
Genome position (GRCh38, 1-based): chr15:88,836,209, G>A. VCF-style: chr15-88836209-G-A. GRCh37 (hg19) VCF-style: chr15-89379440-G-A.
Other names: c.3G>A, p.Met1Ile (NM_001135.4, NM_013227.4); short protein forms M1I.
Identifiers: ClinVar variation 386704 (VCV000386704.3), dbSNP rs1057522582, ClinGen allele CA16607047.

ClinVar aggregate classification (germline): Uncertain significance (1 of 4 stars; one submission).

Submission:

GeneDx
Classification: Uncertain significance. Last evaluated: 2016-05-31. Review status: criteria provided, single submitter. Criteria: GeneDx Variant Classification (06012015). Collection method: clinical testing. Allele origin: germline. Affected: yes.
Comment: The c.3G>A variant in the ACAN gene has not been reported previously as a pathogenic variant, nor as a benign variant, to our knowledge. As the c.3G>A variant changes the translation initiator Methionine codon, the resultant protein is described as p.Met1?, using a question mark to signify that it is not known if the loss of Met1 means that all protein translation is completely prevented or if an abnormal protein is produced using an alternate Methionine. The c.3G>A variant was not observed in approximately 6,200 individuals of European and African American ancestry in the NHLBI Exome Sequencing Project, indicating it is not a common benign variant in these populations. We interpret c.3G>A as a variant of uncertain significance.